The following is an entry in ClinVar:

NM_006073.4(TRDN):c.1648A>G (p.Lys550Glu)

Gene: TRDN (triadin; minus strand). Cytogenetic location: 6q22.31.
Variant type: single nucleotide variant.
Coding change: c.1648A>G on transcript NM_006073.4 (MANE Select); coding-DNA position 1648, A replaced by G.
Protein change: p.Lys550Glu; replaces lysine 550 with glutamic acid.
Molecular consequence: missense variant.
Genome position (GRCh38, 1-based): chr6:123,272,988, T>C on the plus strand (A>G on the coding strand, the complement: TRDN is on the minus strand). VCF-style: chr6-123272988-T-C. GRCh37 (hg19) VCF-style: chr6-123594133-T-C.
Other names: c.1648A>G (NM_006073.2); short protein forms K550E.
Identifiers: ClinVar variation 1414549 (VCV001414549.7), dbSNP rs1036032456, ClinGen allele CA147231634.

ClinVar aggregate classification (germline): Uncertain significance. Review status: criteria provided, multiple submitters, no conflicts (2 of 4 stars). 2 submissions from 2 submitters: Uncertain significance (2). Last evaluated 2024-05-02.

Conditions:
Cardiovascular phenotype. Identifiers: MedGen CN230736.
Catecholaminergic polymorphic ventricular tachycardia 1. Also called: RYR2-Related Catecholaminergic Polymorphic Ventricular Tachycardia; VENTRICULAR TACHYCARDIA, STRESS-INDUCED POLYMORPHIC 1; VENTRICULAR TACHYCARDIA, CATECHOLAMINERGIC POLYMORPHIC, 1, WITH OR WITHOUT ATRIAL DYSFUNCTION AND/OR DILATED CARDIOMYOPATHY. Identifiers: Orphanet 3286, MedGen C1631597, MONDO:0011484, OMIM 604772.

Allele frequency attached by ClinVar (database versions not stated): gnomAD exomes below 0.00001; TOPMed 0.00001.
gnomAD v4.1: 3 of 1,529,160 alleles (0.0002%); highest among the groups gnomAD compares: Non-Finnish European, 0.00026%; no homozygotes.

Submissions (2):

Ambry Genetics
Classification: Uncertain significance for Cardiovascular phenotype. Last evaluated: 2024-05-02. Review status: criteria provided, single submitter. Criteria: Ambry Variant Classification Scheme 2023. Collection method: clinical testing. Allele origin: germline.
Comment: The p.K550E variant (also known as c.1648A>G), located in coding exon 29 of the TRDN gene, results from an A to G substitution at nucleotide position 1648. The lysine at codon 550 is replaced by glutamic acid, an amino acid with similar properties. This amino acid position is conserved. In addition, this alteration is predicted to be tolerated by in silico analysis. Based on the available evidence, the clinical significance of this variant remains unclear.

Labcorp Genetics (formerly Invitae), Labcorp
Classification: Uncertain significance for Catecholaminergic polymorphic ventricular tachycardia 1. Last evaluated: 2022-03-18. Review status: criteria provided, single submitter. Criteria: Invitae Variant Classification Sherloc (09022015). Collection method: clinical testing. Allele origin: germline.
Comment: Algorithms developed to predict the effect of missense changes on protein structure and function are either unavailable or do not agree on the potential impact of this missense change (SIFT: "Deleterious"; PolyPhen-2: "Possibly Damaging"; Align-GVGD: "Class C0"). This sequence change replaces lysine, which is basic and polar, with glutamic acid, which is acidic and polar, at codon 550 of the TRDN protein (p.Lys550Glu). This variant is not present in population databases (gnomAD no frequency). This variant has not been reported in the literature in individuals affected with TRDN-related conditions. Algorithms developed to predict the effect of sequence changes on RNA splicing suggest that this variant may create or strengthen a splice site. In summary, the available evidence is currently insufficient to determine the role of this variant in disease. Therefore, it has been classified as a Variant of Uncertain Significance.